The following is an entry in ClinVar:

NM_182961.4(SYNE1):c.23234A>G (p.Asp7745Gly)

Gene: SYNE1 (spectrin repeat containing nuclear envelope protein 1; minus strand). Cytogenetic location: 6q25.2.
Variant type: single nucleotide variant.
Coding change: c.23234A>G on transcript NM_182961.4 (MANE Select); coding-DNA position 23234, A replaced by G.
Protein change: p.Asp7745Gly; replaces aspartic acid 7745 with glycine.
Molecular consequence: missense variant.
Genome position (GRCh38, 1-based): chr6:152,189,319, T>C on the plus strand (A>G on the coding strand, the complement: SYNE1 is on the minus strand). VCF-style: chr6-152189319-T-C. GRCh37 (hg19) VCF-style: chr6-152510454-T-C.
Other names: c.23021A>G, p.Asp7674Gly (NM_033071.5); short protein forms D7674G, D7745G.
Identifiers: ClinVar variation 2139799 (VCV002139799.5), dbSNP rs747774735, ClinGen allele CA4053657.

ClinVar aggregate classification (germline): Uncertain significance. Review status: criteria provided, multiple submitters, no conflicts (2 of 4 stars). 2 submissions from 2 submitters: Uncertain significance (2). Last evaluated 2025-06-16.

Conditions:
Autosomal recessive ataxia, Beauce type. Also called: SYNE1-Related Autosomal Recessive Cerebellar Ataxia; Spinocerebellar ataxia, autosomal recessive 8; ATAXIA, RECESSIVE, OF BEAUCE; SYNE1 Deficiency. Identifiers: Orphanet 88644, MedGen C1853116, MONDO:0012549, OMIM 610743.
Emery-Dreifuss muscular dystrophy 4, autosomal dominant (EDMD4). Also called: EMERY-DREIFUSS MUSCULAR DYSTROPHY 4 WITH VARIABLE FEATURES. Identifiers: Orphanet 261, MedGen C2751807, MONDO:0013071, OMIM 612998.

Allele frequency attached by ClinVar (database versions not stated): ExAC 0.00001; gnomAD 0.00001; gnomAD exomes 0.00001; TOPMed 0.00001.
gnomAD v4.1: 7 of 1,613,862 alleles (0.00043%); highest among the groups gnomAD compares: Middle Eastern, 0.016%; no homozygotes.

Submissions (2):

GeneDx
Classification: Uncertain significance. Last evaluated: 2025-06-16. Review status: criteria provided, single submitter. Criteria: GeneDx Variant Classification Process June 2021. Collection method: clinical testing. Allele origin: germline. Affected: yes.
Comment: Not observed at significant frequency in large population cohorts (gnomAD); In silico analysis supports that this missense variant has a deleterious effect on protein structure/function; Has not been previously published as pathogenic or benign to our knowledge

Labcorp Genetics (formerly Invitae), Labcorp
Classification: Uncertain significance for Emery-Dreifuss muscular dystrophy 4, autosomal dominant; Autosomal recessive ataxia, Beauce type. Last evaluated: 2022-06-14. Review status: criteria provided, single submitter. Criteria: Invitae Variant Classification Sherloc (09022015). Collection method: clinical testing. Allele origin: germline.
Comment: In summary, the available evidence is currently insufficient to determine the role of this variant in disease. Therefore, it has been classified as a Variant of Uncertain Significance. Algorithms developed to predict the effect of sequence changes on RNA splicing suggest that this variant may create or strengthen a splice site. Algorithms developed to predict the effect of missense changes on protein structure and function are either unavailable or do not agree on the potential impact of this missense change (SIFT: "Deleterious"; PolyPhen-2: "Benign"; Align-GVGD: "Class C15"). This variant has not been reported in the literature in individuals affected with SYNE1-related conditions. This variant is present in population databases (rs747774735, gnomAD 0.0009%). This sequence change replaces aspartic acid, which is acidic and polar, with glycine, which is neutral and non-polar, at codon 7674 of the SYNE1 protein (p.Asp7674Gly).